The following is an entry in ClinVar:

ClinVar aggregate classification (germline): Uncertain significance (1 of 4 stars; one submission).

Conditions:
Congenital contractural arachnodactyly (CCA). Also called: Beals-Hecht syndrome; BEALS SYNDROME; Arthrogryposis, distal, type 9. Identifiers: Orphanet 115, MedGen C0220668, MONDO:0007363, OMIM 121050.

Allele frequency attached by ClinVar (database versions not stated): gnomAD exomes below 0.00001.
gnomAD v4.1: 1 of 1,613,964 alleles (0.000062%); highest among the groups gnomAD compares: Non-Finnish European, 0.000085%; no homozygotes.

Submission:

Labcorp Genetics (formerly Invitae), Labcorp
Classification: Uncertain significance for Congenital contractural arachnodactyly. Last evaluated: 2019-07-01. Review status: criteria provided, single submitter. Criteria: Invitae Variant Classification Sherloc (09022015). Collection method: clinical testing. Allele origin: germline.
Comment: This sequence change replaces threonine with isoleucine at codon 2461 of the FBN2 protein (p.Thr2461Ile). The threonine residue is moderately conserved and there is a moderate physicochemical difference between threonine and isoleucine. This variant is not present in population databases (ExAC no frequency). This variant has not been reported in the literature in individuals with FBN2-related conditions. Algorithms developed to predict the effect of missense changes on protein structure and function are either unavailable or do not agree on the potential impact of this missense change (SIFT: "Tolerated"; PolyPhen-2: "Benign"; Align-GVGD: "Class C0"). In summary, the available evidence is currently insufficient to determine the role of this variant in disease. Therefore, it has been classified as a Variant of Uncertain Significance.

NM_001999.4(FBN2):c.7382C>T (p.Thr2461Ile)

Gene: FBN2 (fibrillin 2; minus strand). Cytogenetic location: 5q23.3.
Variant type: single nucleotide variant.
Coding change: c.7382C>T on transcript NM_001999.4 (MANE Select); coding-DNA position 7382, C replaced by T.
Protein change: p.Thr2461Ile; replaces threonine 2461 with isoleucine.
Molecular consequence: missense variant.
Genome position (GRCh38, 1-based): chr5:128,277,969, G>A on the plus strand (C>T on the coding strand, the complement: FBN2 is on the minus strand). VCF-style: chr5-128277969-G-A. GRCh37 (hg19) VCF-style: chr5-127613661-G-A.
Other names: short protein forms T2461I.
Identifiers: ClinVar variation 939041 (VCV000939041.10), dbSNP rs1019541548, ClinGen allele CA360755270.